The following is an entry in ClinVar:

ClinVar aggregate classification (germline): Uncertain significance (1 of 4 stars; one submission).

Conditions:
MHC class II deficiency. Also called: Bare lymphocyte syndrome 2; BLS, TYPE II. Identifiers: Orphanet 572, MedGen C5447452, MONDO:0008855.

Allele frequency attached by ClinVar (database versions not stated): gnomAD exomes below 0.00001; TOPMed 0.00001.

Submission:

Labcorp Genetics (formerly Invitae), Labcorp
Classification: Uncertain significance for MHC class II deficiency. Last evaluated: 2024-11-18. Review status: criteria provided, single submitter. Criteria: Invitae Variant Classification Sherloc (09022015). Collection method: clinical testing. Allele origin: germline.
Comment: This sequence change replaces histidine, which is basic and polar, with tyrosine, which is neutral and polar, at codon 202 of the RFXANK protein (p.His202Tyr). This variant is present in population databases (no rsID available, gnomAD no frequency). This variant has not been reported in the literature in individuals affected with RFXANK-related conditions. ClinVar contains an entry for this variant (Variation ID: 2114183). Invitae Evidence Modeling of protein sequence and biophysical properties (such as structural, functional, and spatial information, amino acid conservation, physicochemical variation, residue mobility, and thermodynamic stability) indicates that this missense variant is not expected to disrupt RFXANK protein function with a negative predictive value of 80%. In summary, the available evidence is currently insufficient to determine the role of this variant in disease. Therefore, it has been classified as a Variant of Uncertain Significance.

NM_003721.4(RFXANK):c.604C>T (p.His202Tyr)

Gene: RFXANK (regulatory factor X associated ankyrin containing protein; plus strand). Cytogenetic location: 19p13.11.
Variant type: single nucleotide variant.
Coding change: c.604C>T on transcript NM_003721.4 (MANE Select); coding-DNA position 604, C replaced by T.
Protein change: p.His202Tyr; replaces histidine 202 with tyrosine.
Molecular consequence: missense variant.
Genome position (GRCh38, 1-based): chr19:19,198,696, C>T. VCF-style: chr19-19198696-C-T. GRCh37 (hg19) VCF-style: chr19-19309505-C-T.
Other names: c.538C>T, p.His180Tyr (NM_001278727.2, NM_001370234.1); c.535C>T, p.His179Tyr (NM_001278728.2, NM_134440.3); c.604C>T, p.His202Tyr (NM_001370233.1, NM_001370238.1); c.601C>T, p.His201Tyr (NM_001370235.1, NM_001370236.1, NM_001370237.1); short protein forms H202Y, H201Y, H180Y, H179Y.
Identifiers: ClinVar variation 2114183 (VCV002114183.4), dbSNP rs1480941310, ClinGen allele CA404896798.